The following is an entry in ClinVar:

NM_001252024.2(TRPM1):c.4710C>T (p.Leu1570=)

Gene: TRPM1 (transient receptor potential cation channel subfamily M member 1; minus strand). Cytogenetic location: 15q13.3.
Variant type: single nucleotide variant.
Coding change: c.4710C>T on transcript NM_001252024.2 (MANE Select); coding-DNA position 4710, C replaced by T.
Protein change: p.Leu1570=; no amino-acid change (leucine 1570 retained).
Molecular consequence: synonymous variant.
Genome position (GRCh38, 1-based): chr15:31,001,990, G>A on the plus strand (C>T on the coding strand, the complement: TRPM1 is on the minus strand). VCF-style: chr15-31001990-G-A. GRCh37 (hg19) VCF-style: chr15-31294193-G-A.
Other names: c.4761C>T, p.Leu1587= (NM_001252020.2); c.4644C>T, p.Leu1548= (NM_002420.6); c.4761C>T (NM_001252020.1).
Identifiers: ClinVar variation 1118212 (VCV001118212.11), dbSNP rs940770981, ClinGen allele CA267496156.

ClinVar aggregate classification (germline): Likely benign. Review status: criteria provided, multiple submitters, no conflicts (2 of 4 stars). 3 submissions from 3 submitters: Likely benign (2). 1 of the submissions does not count toward it. Last evaluated 2025-03-03.

Conditions:
TRPM1-related disorder. Also called: TRPM1-related condition.

Allele frequency attached by ClinVar (database versions not stated): gnomAD 0.00003 and 0.00004; TOPMed 0.00008.
gnomAD v4.1: 8 of 1,614,034 alleles (0.0005%); highest among the groups gnomAD compares: Admixed American, 0.013%; 1 homozygote.

Submissions (3):

Labcorp Genetics (formerly Invitae), Labcorp
Classification: Likely benign. Last evaluated: 2025-03-03. Review status: criteria provided, single submitter. Criteria: Invitae Variant Classification Sherloc (09022015). Collection method: clinical testing. Allele origin: germline.

Blueprint Genetics
Classification: Likely benign. Last evaluated: 2022-07-26. Review status: criteria provided, single submitter. Criteria: ACMG Guidelines, 2015. Collection method: clinical testing. Allele origin: germline.

PreventionGenetics, part of Exact Sciences
Classification: Likely benign for TRPM1-related condition. Last evaluated: 2019-11-21. Review status: no assertion criteria provided. Collection method: clinical testing. Allele origin: germline. Not counted in ClinVar's aggregate classification.
Comment: This variant is classified as likely benign based on ACMG/AMP sequence variant interpretation guidelines (Richards et al. 2015 PMID: 25741868, with internal and published modifications).